The following is an entry in ClinVar:

ClinVar aggregate classification (germline): Uncertain significance. Review status: criteria provided, multiple submitters, no conflicts (2 of 4 stars). 2 submissions from 2 submitters: Uncertain significance (2). Last evaluated 2025-09-14.

Conditions:
Hereditary cancer-predisposing syndrome. Also called: Neoplastic Syndromes, Hereditary; Tumor predisposition; Hereditary neoplastic syndrome; Hereditary Cancer Syndrome. Identifiers: Orphanet 140162, MedGen C0027672, MeSH D009386, MONDO:0015356.
Hereditary breast ovarian cancer syndrome. Also called: BRCA1- and BRCA2-Associated Hereditary Breast and Ovarian Cancer; Hereditary breast and ovarian cancer; Hereditary breast and ovarian cancer syndrome; Hereditary breast and ovarian cancer syndrome (HBOC); Breast and ovarian cancer; Hereditary breast and/or ovarian cancer syndrome. Identifiers: Orphanet 145, MedGen C0677776, MeSH D061325, MONDO:0003582. Disease mechanism: loss of function.

Allele frequency attached by ClinVar (database versions not stated): TOPMed below 0.00001.
gnomAD v4.1: 1 of 1,613,474 alleles (0.000062%); no homozygotes.

Submissions (2):

Labcorp Genetics (formerly Invitae), Labcorp
Classification: Uncertain significance for Hereditary breast ovarian cancer syndrome. Last evaluated: 2025-09-14. Review status: criteria provided, single submitter. Criteria: Invitae Variant Classification Sherloc (09022015). Collection method: clinical testing. Allele origin: germline.
Comment: This sequence change replaces threonine, which is neutral and polar, with proline, which is neutral and non-polar, at codon 2350 of the BRCA2 protein (p.Thr2350Pro). This variant is not present in population databases (gnomAD no frequency). This variant has not been reported in the literature in individuals affected with BRCA2-related conditions. ClinVar contains an entry for this variant (Variation ID: 1352081). Invitae Evidence Modeling of protein sequence and biophysical properties (such as structural, functional, and spatial information, amino acid conservation, physicochemical variation, residue mobility, and thermodynamic stability) indicates that this missense variant is not expected to disrupt BRCA2 protein function with a negative predictive value of 95%. In summary, the available evidence is currently insufficient to determine the role of this variant in disease. Therefore, it has been classified as a Variant of Uncertain Significance.

Ambry Genetics
Classification: Uncertain significance for Hereditary cancer-predisposing syndrome. Last evaluated: 2022-07-11. Review status: criteria provided, single submitter. Criteria: Ambry Variant Classification Scheme 2023. Collection method: clinical testing. Allele origin: germline.
Comment: The p.T2350P variant (also known as c.7048A>C), located in coding exon 13 of the BRCA2 gene, results from an A to C substitution at nucleotide position 7048. The threonine at codon 2350 is replaced by proline, an amino acid with highly similar properties. This amino acid position is conserved. In addition, the in silico prediction for this alteration is inconclusive. Since supporting evidence is limited at this time, the clinical significance of this alteration remains unclear.

NM_000059.4(BRCA2):c.7048A>C (p.Thr2350Pro)

Gene: BRCA2 (BRCA2 DNA repair associated; plus strand). Cytogenetic location: 13q13.1.
Variant type: single nucleotide variant.
Coding change: c.7048A>C on transcript NM_000059.4 (MANE Select); coding-DNA position 7048, A replaced by C.
Protein change: p.Thr2350Pro; replaces threonine 2350 with proline.
Molecular consequence: missense variant.
Genome position (GRCh38, 1-based): chr13:32,354,901, A>C. VCF-style: chr13-32354901-A-C. GRCh37 (hg19) VCF-style: chr13-32929038-A-C.
Other names: short protein forms T2350P.
Identifiers: ClinVar variation 1352081 (VCV001352081.8), dbSNP rs2072676852, ClinGen allele CA387738271.